The following is an entry in ClinVar:

NM_005188.4(CBL):c.85A>T (p.Met29Leu)

Genes: CBL (Cbl proto-oncogene; plus strand), LOC130006895 (ATAC-STARR-seq lymphoblastoid silent region 3975; plus strand). Cytogenetic location: 11q23.3.
Variant type: single nucleotide variant.
Coding change: c.85A>T on transcript NM_005188.4 (MANE Select); coding-DNA position 85, A replaced by T.
Protein change: p.Met29Leu; replaces methionine 29 with leucine.
Molecular consequence: missense variant.
Genome position (GRCh38, 1-based): chr11:119,206,502, A>T. VCF-style: chr11-119206502-A-T. GRCh37 (hg19) VCF-style: chr11-119077212-A-T.
Other names: short protein forms M29L.
Identifiers: ClinVar variation 4219877 (VCV004219877.1).

ClinVar aggregate classification (germline): Uncertain significance (1 of 4 stars; one submission).

Conditions:
Cardiovascular phenotype. Identifiers: MedGen CN230736.

Submission:

Ambry Genetics
Classification: Uncertain significance for Cardiovascular phenotype. Last evaluated: 2025-07-28. Review status: criteria provided, single submitter. Criteria: Ambry Variant Classification Scheme 2023. Collection method: clinical testing. Allele origin: germline.
Comment: The p.M29L variant (also known as c.85A>T), located in coding exon 1 of the CBL gene, results from an A to T substitution at nucleotide position 85. The methionine at codon 29 is replaced by leucine, an amino acid with highly similar properties. This amino acid position is conserved. In addition, this alteration is predicted to be tolerated by in silico analysis. Based on the available evidence, the clinical significance of this variant remains unclear.